The following is an entry in ClinVar:

NM_130466.4(UBE3B):c.1622+1G>A

Gene: UBE3B (ubiquitin protein ligase E3B; plus strand). Cytogenetic location: 12q24.11.
Variant type: single nucleotide variant.
Coding change: c.1622+1G>A on transcript NM_130466.4 (MANE Select); the canonical splice donor site of the intron after coding-DNA position 1622, G replaced by A.
Molecular consequence: splice donor variant.
Genome position (GRCh38, 1-based): chr12:109,507,736, G>A. VCF-style: chr12-109507736-G-A. GRCh37 (hg19) VCF-style: chr12-109945541-G-A.
Other names: c.1622+1G>A (NM_183415.3).
Identifiers: ClinVar variation 2430959 (VCV002430959.3), dbSNP rs934035216, ClinGen allele CA243437854.

ClinVar aggregate classification (germline): Pathogenic. Review status: criteria provided, multiple submitters, no conflicts (2 of 4 stars). 2 submissions from 2 submitters: Pathogenic (2). Last evaluated 2025-03-28.

Conditions:
UBE3B-related disorder. Also called: UBE3B-related condition.

Allele frequency attached by ClinVar (database versions not stated): TOPMed below 0.00001; gnomAD 0.00002.
gnomAD v4.1: 12 of 1,610,778 alleles (0.00074%); highest among the groups gnomAD compares: East Asian, 0.0022%; no homozygotes.

Submissions (2):

GeneDx
Classification: Pathogenic. Last evaluated: 2025-03-28. Review status: criteria provided, single submitter. Criteria: GeneDx Variant Classification Process June 2021. Collection method: clinical testing. Allele origin: germline.
Comment: Canonical splice site variant predicted to result in a null allele in a gene for which loss of function is a known mechanism of disease; Not observed at significant frequency in large population cohorts (gnomAD); This variant is associated with the following publications: (PMID: 31130284)

Blueprint Genetics
Classification: Pathogenic for UBE3B-related disorders. Last evaluated: 2023-12-19. Review status: criteria provided, single submitter. Criteria: ACMG Guidelines, 2015. Collection method: clinical testing. Allele origin: germline. Affected: yes. Observed: 1 variant allele.